The following is an entry in ClinVar:

ClinVar aggregate classification (germline): Likely pathogenic. Review status: reviewed by expert panel (3 of 4 stars). 7 submissions from 7 submitters: Likely pathogenic (1). 6 of the submissions do not count toward it. Last evaluated 2024-12-06.

Conditions:
Mucopolysaccharidosis type 1. Also called: Mucopolysaccharidosis Type I; IDUA deficiency; MPS I. Identifiers: Orphanet 579, MedGen C0023786, MONDO:0001586.

Allele frequency attached by ClinVar (database versions not stated): gnomAD exomes below 0.00001; gnomAD 0.00001.
gnomAD v4.1: 4 of 1,430,938 alleles (0.00028%); highest among the groups gnomAD compares: Admixed American, 0.0024%; no homozygotes.

Submissions (7):

ClinGen Lysosomal Storage Disorder Variant Curation Expert Panel
Classification: Likely pathogenic for Mucopolysaccharidosis type 1. Last evaluated: 2024-12-06. Review status: reviewed by expert panel. Criteria: ClinGen LSD ACMG Specifications IDUA V1.0.0. Collection method: curation. Allele origin: germline. Inheritance: Autosomal recessive inheritance.
Comment: The NM_000203.5:c.1499A>G variant in IDUA is predicted to result in a missense substitution, p.Gln500Arg. This variant has been identified in at least 3 individuals, including an adult with clinical features consistent with MPS1, and documented laboratory values showing elevated urine GAGs, and deficient IDUA activity in leukocytes (PMID: 35848209) (PP4_Moderate). Each of these patients is compound heterozygous for the variant and a variant in IDUA that has been classified as pathogenic or likely pathogenic by the ClinGen Lysosomal Diseases VCEP, including c.876delC (ClinVar Variation ID: 456720), phase not confirmed (PMID: 35848209), c.208C>T (p.Gln70Ter) (ClinVar Variation ID: 11909), phase not confirmed (clinical diagnostic laboratory); and c.536C>T (p.Thr179Met) (ClinVar Variation ID: 1455223), confirmed in trans (PM3_Strong). The highest population minor allele frequency in gnomAD v4.1.0 is 0.00002389 (1/41866 alleles) in the Admixed American population, which is lower than the ClinGen Lysosomal Diseases VCEP’s threshold for PM2_Supporting (<0.00025), meeting this criterion (PM2_Supporting). The computational predictor REVEL gives a score of 0.603 which is neither above nor below the thresholds predicting a damaging (>0.644) or benign (<0.29) impact on IDUA function. No impact on splicing was predicted by SpliceAI. There is a ClinVar entry for this variant (Variation ID: 1309246). In summary, this variant meets the criteria to be classified as likely pathogenic for mucopolysaccharidosis type 1. IDUA-specific ACMG/AMP criteria applied, as specified by the ClinGen Lysosomal Disease Variant Curation Expert Panel (Specifications Version 1.0.0): PM3_Strong, PP4_Moderate, PM2_Supporting. (Classification approved by the ClinGen Lysosomal Diseases Variant Curation Expert Panel on December 6, 2024)

Dasa
Classification: Likely pathogenic. Last evaluated: 2026-03-05. Review status: criteria provided, single submitter. Criteria: DASA Assertion Criteria. Collection method: clinical testing. Allele origin: germline. Not counted in ClinVar's aggregate classification.
Comment: NM_000203.5(IDUA):c.1499A>G (p.Gln500Arg) is a missense variant that results in the substitution of glutamine with arginine. This variant has been reported in individuals with related phenotype (PMID: 35848209). The variant is present at low frequency in population datasets. Based on the available data, this variant is classified as likely pathogenic.

Myriad Genetics, Inc.
Classification: Likely pathogenic for Mucopolysaccharidosis type 1. Last evaluated: 2026-02-23. Review status: criteria provided, single submitter. Criteria: Myriad Autosomal Dominant, Autosomal Recessive and X-Linked Classification Criteria (2023). Collection method: clinical testing. Allele origin: unknown. Not counted in ClinVar's aggregate classification.
Comment: NM_000203.3(IDUA):c.1499A>G(Q500R) is a missense variant classified as likely pathogenic in the context of mucopolysaccharidosis type I. Q500R has been observed in cases with relevant disease (PMID: 35848209, 31194252). Relevant functional assessments of this variant are not available in the literature. Q500R has not been observed in referenced population frequency databases. In summary, NM_000203.3(IDUA):c.1499A>G(Q500R) is a missense variant that has been observed more frequently in cases with the relevant disease than in healthy populations. Please note: this variant was assessed in the context of healthy population screening.

Women's Health and Genetics/Laboratory Corporation of America, LabCorp
Classification: Pathogenic for Mucopolysaccharidosis type 1. Last evaluated: 2025-10-13. Review status: criteria provided, single submitter. Criteria: LabCorp Variant Classification Summary - May 2015. Collection method: clinical testing. Allele origin: germline. Not counted in ClinVar's aggregate classification.
Comment: Variant summary: IDUA c.1499A>G (p.Gln500Arg) results in a conservative amino acid change in the encoded protein sequence. Algorithms developed to predict the effect of missense changes on protein structure and function are either unavailable or do not agree on the potential impact of this missense change. The frequency data for this variant in gnomAD is considered unreliable, as metrics indicate poor data quality at this position. c.1499A>G has been observed in the presumed compound heterozygous state in at least 3 individuals affected with clinical features of Mucopolysaccharidosis Type 1 (example, Xiao_2022, Clarke_2019, Labcorp Genetics (formerly Invitae)). These data indicate that the variant is likely to be associated with disease. To our knowledge, no experimental evidence demonstrating an impact on protein function has been reported. The following publications have been ascertained in the context of this evaluation (PMID: 35848209, 31194252). ClinVar contains an entry for this variant (Variation ID: 1309246). Based on the evidence outlined above, the variant was classified as pathogenic.

Natera, Inc.
Classification: Likely pathogenic for Mucopolysaccharidosis type I. Last evaluated: 2025-03-27. Review status: criteria provided, single submitter. Criteria: Natera Variant Classification Schema (03/2026). Collection method: clinical testing. Allele origin: germline. Not counted in ClinVar's aggregate classification.
Comment: The c.1499A>G variant in IDUA is a missense variant predicted to cause substitution of glutamine to arginine at amino acid 500. This variant is rare in the general population with a frequency below the threshold expected for the associated phenotype(s). This variant has been observed in one or more individuals affected with the associated recessive disease, as either homozygous or compound heterozygous with a second variant (PMID: 35848209, 31194252). This variant has been identified in one or more affected individuals with a phenotype highly consistent with the associated gene (PMID: 35848209). Computational prediction algorithms indicate this variant is likely to affect gene or protein function. Given the available evidence, this variant is classified as Likely Pathogenic.

Labcorp Genetics (formerly Invitae), Labcorp
Classification: Pathogenic for Mucopolysaccharidosis type 1. Last evaluated: 2025-03-17. Review status: criteria provided, single submitter. Criteria: Invitae Variant Classification Sherloc (09022015). Collection method: clinical testing. Allele origin: germline. Not counted in ClinVar's aggregate classification.
Comment: This sequence change replaces glutamine, which is neutral and polar, with arginine, which is basic and polar, at codon 500 of the IDUA protein (p.Gln500Arg). This variant is not present in population databases (gnomAD no frequency). This missense change has been observed in individual(s) with clinical and/or biochemical features of mucopolysaccharidosis type I (PMID: 35848209; internal data). In at least one individual the data is consistent with being in trans (on the opposite chromosome) from a pathogenic variant. ClinVar contains an entry for this variant (Variation ID: 1309246). Invitae Evidence Modeling of protein sequence and biophysical properties (such as structural, functional, and spatial information, amino acid conservation, physicochemical variation, residue mobility, and thermodynamic stability) has been performed for this missense variant. However, the output from this modeling did not meet the statistical confidence thresholds required to predict the impact of this variant on IDUA protein function. For these reasons, this variant has been classified as Pathogenic.

GeneDx
Classification: Uncertain significance. Last evaluated: 2019-10-09. Review status: criteria provided, single submitter. Criteria: GeneDx Variant Classification Process June 2021. Collection method: clinical testing. Allele origin: germline. Affected: yes. Not counted in ClinVar's aggregate classification.
Comment: Has not been previously published as pathogenic or benign to our knowledge; Not observed in large population cohorts (Lek et al., 2016); In silico analysis, which includes protein predictors and evolutionary conservation, supports a deleterious effect

Literature cited by the submitters: PubMed 35848209 (cited by 5 submitters); PubMed 31194252 (cited by 3 submitters).

NM_000203.5(IDUA):c.1499A>G (p.Gln500Arg)

Gene: IDUA (alpha-L-iduronidase; plus strand). Cytogenetic location: 4p16.3.
Variant type: single nucleotide variant.
Coding change: c.1499A>G on transcript NM_000203.5 (MANE Select); coding-DNA position 1499, A replaced by G.
Protein change: p.Gln500Arg; replaces glutamine 500 with arginine.
Molecular consequence: missense variant. On other transcripts: non-coding transcript variant (1).
Genome position (GRCh38, 1-based): chr4:1,003,132, A>G. VCF-style: chr4-1003132-A-G. GRCh37 (hg19) VCF-style: chr4-996920-A-G.
Other names: NM_000203.5(IDUA):c.1499A>G; p.Gln500Arg; c.1103A>G, p.Gln368Arg (NM_001363576.1); c.1499A>G (NM_000203.4); short protein forms Q368R, Q500R.
Identifiers: ClinVar variation 1309246 (VCV001309246.16), dbSNP rs1715216061, ClinGen allele CA355964729.